The following is an entry in ClinVar:

NM_138927.4(SON):c.4264C>T (p.Pro1422Ser)

Gene: SON (SON DNA and RNA binding protein; plus strand). Cytogenetic location: 21q22.11.
Variant type: single nucleotide variant.
Coding change: c.4264C>T on transcript NM_138927.4 (MANE Select); coding-DNA position 4264, C replaced by T.
Protein change: p.Pro1422Ser; replaces proline 1422 with serine.
Molecular consequence: missense variant. On other transcripts: non-coding transcript variant (1), intron variant (1).
Genome position (GRCh38, 1-based): chr21:33,553,495, C>T. VCF-style: chr21-33553495-C-T. GRCh37 (hg19) VCF-style: chr21-34925801-C-T.
Other names: c.4264C>T, p.Pro1422Ser (NM_001291411.2, NM_032195.3); c.245-3661C>T (NM_001291412.3); short protein forms P1422S.
Identifiers: ClinVar variation 1697192 (VCV001697192.2), dbSNP rs2145832892, ClinGen allele CA410162262.
Genomic context (GRCh38, chr21:33,553,495, plus strand): 5'-TATGTTACCATTCCTGTGCCAGTTGTTTCTGCGCTGGAGCCTTCTGTGCCTGTTCTGGAA[C>T]CAGCGGTGTCAGTCCTTCAACCTTCTATGATTGTTTCAGAACCATCTGTTTCTGTCCAGG-3'
Protein context (NP_620305.3, residues 1412-1432): ALEPSVPVLE[Pro1422Ser]AVSVLQPSMI

ClinVar aggregate classification (germline): Uncertain significance (1 of 4 stars; one submission).

Submission:

GeneDx
Classification: Uncertain significance. Last evaluated: 2022-01-18. Review status: criteria provided, single submitter. Criteria: GeneDx Variant Classification Process June 2021. Collection method: clinical testing. Allele origin: germline. Affected: yes.
Comment: Not observed at significant frequency in large population cohorts (gnomAD); In silico analysis supports that this missense variant has a deleterious effect on protein structure/function; Has not been previously published as pathogenic or benign to our knowledge